The following is an entry in ClinVar:

NM_033026.6(PCLO):c.13570C>G (p.Pro4524Ala)

Gene: PCLO (piccolo presynaptic cytomatrix protein; minus strand). Cytogenetic location: 7q21.11.
Variant type: single nucleotide variant.
Coding change: c.13570C>G on transcript NM_033026.6 (MANE Select); coding-DNA position 13570, C replaced by G.
Protein change: p.Pro4524Ala; replaces proline 4524 with alanine.
Molecular consequence: missense variant.
Genome position (GRCh38, 1-based): chr7:82,879,421, G>C on the plus strand (C>G on the coding strand, the complement: PCLO is on the minus strand). VCF-style: chr7-82879421-G-C. GRCh37 (hg19) VCF-style: chr7-82508737-G-C.
Other names: c.13570C>G, p.Pro4524Ala (NM_014510.3); short protein forms P4524A.
Identifiers: ClinVar variation 2079693 (VCV002079693.4), dbSNP rs2535435671, ClinGen allele CA367882673.

ClinVar aggregate classification (germline): Uncertain significance (1 of 4 stars; one submission).

gnomAD v4.1: 1 of 1,607,652 alleles (0.000062%); no homozygotes.

Submission:

Labcorp Genetics (formerly Invitae), Labcorp
Classification: Uncertain significance. Last evaluated: 2022-01-11. Review status: criteria provided, single submitter. Criteria: Invitae Variant Classification Sherloc (09022015). Collection method: clinical testing. Allele origin: germline.
Comment: In summary, the available evidence is currently insufficient to determine the role of this variant in disease. Therefore, it has been classified as a Variant of Uncertain Significance. Algorithms developed to predict the effect of missense changes on protein structure and function are either unavailable or do not agree on the potential impact of this missense change (SIFT: "Deleterious"; PolyPhen-2: "Not Available"; Align-GVGD: "Class C0"). This variant has not been reported in the literature in individuals affected with PCLO-related conditions. This variant is not present in population databases (gnomAD no frequency). This sequence change replaces proline, which is neutral and non-polar, with alanine, which is neutral and non-polar, at codon 4524 of the PCLO protein (p.Pro4524Ala).